The following is an entry in ClinVar:

NM_022114.4(PRDM16):c.881A>C (p.Tyr294Ser)

Gene: PRDM16 (PR/SET domain 16; plus strand). Cytogenetic location: 1p36.32.
Variant type: single nucleotide variant.
Coding change: c.881A>C on transcript NM_022114.4 (MANE Select); coding-DNA position 881, A replaced by C.
Protein change: p.Tyr294Ser; replaces tyrosine 294 with serine.
Molecular consequence: missense variant.
Genome position (GRCh38, 1-based): chr1:3,402,995, A>C. VCF-style: chr1-3402995-A-C. GRCh37 (hg19) VCF-style: chr1-3319559-A-C.
Other names: c.881A>C, p.Tyr294Ser (NM_199454.3); short protein forms Y294S.
Identifiers: ClinVar variation 4538325 (VCV004538325.1).

ClinVar aggregate classification (germline): Uncertain significance (1 of 4 stars; one submission).

Submission:

Greenwood Genetic Center Diagnostic Laboratories, Greenwood Genetic Center
Classification: Uncertain significance. Last evaluated: 2025-06-18. Review status: criteria provided, single submitter. Criteria: ACMG Guidelines, 2015. Collection method: clinical testing. Allele origin: germline. Affected: yes.
Comment: Gene of Uncertain Significance